The following is an entry in ClinVar:

NM_001035.3(RYR2):c.10140C>G (p.Asn3380Lys)

Gene: RYR2 (ryanodine receptor 2; plus strand). Cytogenetic location: 1q43.
Variant type: single nucleotide variant.
Coding change: c.10140C>G on transcript NM_001035.3 (MANE Select); coding-DNA position 10140, C replaced by G.
Protein change: p.Asn3380Lys; replaces asparagine 3380 with lysine.
Molecular consequence: missense variant.
Genome position (GRCh38, 1-based): chr1:237,709,096, C>G. VCF-style: chr1-237709096-C-G. GRCh37 (hg19) VCF-style: chr1-237872396-C-G.
Other names: short protein forms N3380K.
Identifiers: ClinVar variation 3609818 (VCV003609818.2).
Genomic context (GRCh38, chr1:237,709,096, plus strand): 5'-CACACTGGCCAGAGATCTCTATGCCTTCTACCCTCTCTTGATTAGATTTGTGGACTATAA[C>G]AGGTATGATCAAAAGTAATTTAGTAATTTCTCCAATTCGGTCATAACGTTTCTTGGCTCA-3'
Protein context (NP_001026.2, residues 3370-3390): YPLLIRFVDY[Asn3380Lys]RAKWLKEPNP

ClinVar aggregate classification (germline): Uncertain significance (1 of 4 stars; one submission).

Conditions:
Catecholaminergic polymorphic ventricular tachycardia 1. Also called: VENTRICULAR TACHYCARDIA, STRESS-INDUCED POLYMORPHIC 1; VENTRICULAR TACHYCARDIA, CATECHOLAMINERGIC POLYMORPHIC, 1, WITH OR WITHOUT ATRIAL DYSFUNCTION AND/OR DILATED CARDIOMYOPATHY; RYR2-Related Catecholaminergic Polymorphic Ventricular Tachycardia. Identifiers: Orphanet 3286, MedGen C1631597, MONDO:0011484, OMIM 604772.

gnomAD v4.1: 2 of 1,560,298 alleles (0.00013%); highest among the groups gnomAD compares: Non-Finnish European, 0.00017%; no homozygotes.

Submission:

Labcorp Genetics (formerly Invitae), Labcorp
Classification: Uncertain significance for Catecholaminergic polymorphic ventricular tachycardia 1. Last evaluated: 2025-01-01. Review status: criteria provided, single submitter. Criteria: Invitae Variant Classification Sherloc (09022015). Collection method: clinical testing. Allele origin: germline.
Comment: This sequence change replaces asparagine, which is neutral and polar, with lysine, which is basic and polar, at codon 3380 of the RYR2 protein (p.Asn3380Lys). This variant is not present in population databases (gnomAD no frequency). This variant has not been reported in the literature in individuals affected with RYR2-related conditions. An algorithm developed to predict the effect of missense changes on protein structure and function (PolyPhen-2) suggests that this variant is likely to be disruptive. In summary, the available evidence is currently insufficient to determine the role of this variant in disease. Therefore, it has been classified as a Variant of Uncertain Significance.